The following is an entry in ClinVar:

NM_000142.5(FGFR3):c.1076-34del

Gene: FGFR3 (fibroblast growth factor receptor 3; plus strand). Cytogenetic location: 4p16.3.
Variant type: Deletion.
Coding change: c.1076-34del on transcript NM_000142.5 (MANE Select); 34 bases into the intron before coding-DNA position 1076, one base deleted (G; older notation c.1076-34delG).
Molecular consequence: intron variant.
Genome position (GRCh38, 1-based): chr4:1,804,296, G deleted; the last of 11 consecutive G bases (chr4:1,804,286-1,804,296); deleting any one gives the same sequence. VCF-style (leftmost placement, unchanged base first): chr4-1804285-TG-T. GRCh37 (hg19) VCF-style: chr4-1806012-TG-T.
Other names: c.1082-34del (NM_001163213.2); c.1076-34del (NM_001354809.2, NM_001354810.2); c.931-528del (NM_022965.4).
Identifiers: ClinVar variation 1270999 (VCV001270999.2), dbSNP rs4647926, ClinGen allele CA2810201.

ClinVar aggregate classification (germline): Benign. Review status: criteria provided, multiple submitters, no conflicts (2 of 4 stars). 2 submissions from 2 submitters: Benign (2). Last evaluated 2026-06-23.

Conditions:
FGFR3-related chondrodysplasia. Identifiers: Orphanet 93420, MedGen C5681604, MONDO:0019685.

Submissions (2):

Genomenon, Inc
Classification: Benign for FGFR3-related chondrodysplasia. Last evaluated: 2026-06-23. Review status: criteria provided, single submitter. Criteria: Genomenon Sequence Variant Interpretation Standards - Updated. Collection method: curation. Allele origin: germline. Affected: no.
Comment: FGFR3 c.1076-34del is an intronic variant located in intron 8. This variant is present at high allele frequency in population databases. We classify FGFR3 c.1076-34del as a benign variant.

GeneDx
Classification: Benign. Last evaluated: 2019-10-30. Review status: criteria provided, single submitter. Criteria: GeneDx Variant Classification Process June 2021. Collection method: clinical testing. Allele origin: germline. Affected: yes.